The following is an entry in ClinVar:

NM_002661.5(PLCG2):c.337+4G>T

Gene: PLCG2 (phospholipase C gamma 2; plus strand). Cytogenetic location: 16q23.3.
Variant type: single nucleotide variant.
Coding change: c.337+4G>T on transcript NM_002661.5 (MANE Select); 4 bases into the intron after coding-DNA position 337, G replaced by T.
Molecular consequence: intron variant.
Genome position (GRCh38, 1-based): chr16:81,854,591, G>T. VCF-style: chr16-81854591-G-T. GRCh37 (hg19) VCF-style: chr16-81888196-G-T.
Identifiers: ClinVar variation 2036362 (VCV002036362.4), dbSNP rs1906588231, ClinGen allele CA2580092157.
Genomic context (GRCh38, chr16:81,854,591, plus strand): 5'-GCTGCTTCACCATCCTATATGGCACTCAGTTCGTCCTCAGCACGCTCAGCTTGGCAGGTA[G>T]GTGCATGTTTCTGTGCCTTTCTCCTTCCCTGTGCCTTAGTGTCTTCCTGAAGAAGTTCGC-3'

ClinVar aggregate classification (germline): Uncertain significance (1 of 4 stars; one submission).

Conditions:
Familial cold autoinflammatory syndrome 3 (FCAS3). Also called: FAMILIAL ATYPICAL COLD URTICARIA; ANTIBODY DEFICIENCY AND IMMUNE DYSREGULATION, PLCG2-ASSOCIATED. Identifiers: Orphanet 300359, MedGen C3280914, MONDO:0013766, OMIM 614468.

Submission:

Labcorp Genetics (formerly Invitae), Labcorp
Classification: Uncertain significance for Familial cold autoinflammatory syndrome 3. Last evaluated: 2022-11-07. Review status: criteria provided, single submitter. Criteria: Invitae Variant Classification Sherloc (09022015). Collection method: clinical testing. Allele origin: germline.
Comment: In summary, the available evidence is currently insufficient to determine the role of this variant in disease. Therefore, it has been classified as a Variant of Uncertain Significance. Variants that disrupt the consensus splice site are a relatively common cause of aberrant splicing (PMID: 17576681, 9536098). Algorithms developed to predict the effect of sequence changes on RNA splicing suggest that this variant is not likely to affect RNA splicing. This variant has not been reported in the literature in individuals affected with PLCG2-related conditions. This variant is not present in population databases (gnomAD no frequency). This sequence change falls in intron 3 of the PLCG2 gene. It does not directly change the encoded amino acid sequence of the PLCG2 protein. It affects a nucleotide within the consensus splice site.

Literature cited by the submitters: PubMed 17576681; PubMed 9536098.